The following is an entry in ClinVar:

NM_005188.4(CBL):c.1939A>G (p.Met647Val)

Gene: CBL (Cbl proto-oncogene; plus strand). Cytogenetic location: 11q23.3.
Variant type: single nucleotide variant.
Coding change: c.1939A>G on transcript NM_005188.4 (MANE Select); coding-DNA position 1939, A replaced by G.
Protein change: p.Met647Val; replaces methionine 647 with valine.
Molecular consequence: missense variant.
Genome position (GRCh38, 1-based): chr11:119,285,564, A>G. VCF-style: chr11-119285564-A-G. GRCh37 (hg19) VCF-style: chr11-119156274-A-G.
Other names: short protein forms M647V.
Identifiers: ClinVar variation 3996094 (VCV003996094.1).

ClinVar aggregate classification (germline): Uncertain significance (1 of 4 stars; one submission).

Conditions:
Cardiovascular phenotype. Identifiers: MedGen CN230736.

gnomAD v4.1: 4 of 1,613,902 alleles (0.00025%); highest among the groups gnomAD compares: South Asian, 0.0022%; no homozygotes.

Submission:

Ambry Genetics
Classification: Uncertain significance for Cardiovascular phenotype. Last evaluated: 2025-06-13. Review status: criteria provided, single submitter. Criteria: Ambry Variant Classification Scheme 2023. Collection method: clinical testing. Allele origin: germline.
Comment: The p.M647V variant (also known as c.1939A>G), located in coding exon 11 of the CBL gene, results from an A to G substitution at nucleotide position 1939. The methionine at codon 647 is replaced by valine, an amino acid with highly similar properties. This amino acid position is conserved. In addition, this alteration is predicted to be tolerated by in silico analysis. Based on the available evidence, the clinical significance of this variant remains unclear.